The following is an entry in ClinVar:

NC_000022.10:g.(?_40760260)_(40762546_?)del

Gene: ADSL (adenylosuccinate lyase; plus strand). Cytogenetic location: 22q13.1.
Variant type: Deletion.
Identifiers: ClinVar variation 1066251 (VCV001066251.7).

ClinVar aggregate classification (germline): Likely pathogenic (1 of 4 stars; one submission).

Conditions:
Adenylosuccinate lyase deficiency (ADSLD). Also called: ADSL DEFICIENCY. Identifiers: Orphanet 46, MedGen C0268126, MONDO:0007068, OMIM 103050.

Submission:

Labcorp Genetics (formerly Invitae), Labcorp
Classification: Likely pathogenic for Adenylosuccinate lyase deficiency. Last evaluated: 2020-07-31. Review status: criteria provided, single submitter. Criteria: Invitae Variant Classification Sherloc (09022015). Collection method: clinical testing. Allele origin: germline.
Comment: This variant is a gross deletion of the genomic region encompassing exon(s) 11-13 of the ADSL gene. The 5' boundary is likely confined to intron 10. The 3' end of this event is unknown as it extends through the termination codon beyond the assayed region for this gene and may encompass additional genes. While this deletion is not anticipated to result in nonsense mediated decay, it is expected to create a truncated protein product or disrupt mRNA translation. This variant has not been reported in the literature in individuals with ADSL-related conditions. This variant disrupts the p.Arg426 amino acid residue in ADSL. Other variant(s) that disrupt this residue have been determined to be pathogenic (PMID: 10090474, 18524658, 27504266, 20127976, 25112391, 12833398). This suggests that this residue is clinically significant, and that variants that disrupt this residue are likely to be disease-causing. In summary, the currently available evidence indicates that the variant is pathogenic, but additional data are needed to prove that conclusively. Therefore, this variant has been classified as Likely Pathogenic.

Literature cited by the submitters: PubMed 10090474; PubMed 18524658; PubMed 27504266; PubMed 20127976; PubMed 25112391; PubMed 12833398.